The following is an entry in ClinVar:

NM_001122681.2(SH3BP2):c.1292C>T (p.Pro431Leu)

Gene: SH3BP2 (SH3 domain binding protein 2; plus strand). Cytogenetic location: 4p16.3.
Variant type: single nucleotide variant.
Coding change: c.1292C>T on transcript NM_001122681.2 (MANE Select); coding-DNA position 1292, C replaced by T.
Protein change: p.Pro431Leu; replaces proline 431 with leucine.
Molecular consequence: missense variant.
Genome position (GRCh38, 1-based): chr4:2,831,621, C>T. VCF-style: chr4-2831621-C-T. GRCh37 (hg19) VCF-style: chr4-2833348-C-T.
Other names: c.1376C>T, p.Pro459Leu (NM_001145855.2); c.1463C>T, p.Pro488Leu (NM_001145856.2); c.1292C>T, p.Pro431Leu (NM_003023.4); short protein forms P488L, P431L, P459L.
Identifiers: ClinVar variation 965971 (VCV000965971.9), dbSNP rs754582989, ClinGen allele CA2819453.

ClinVar aggregate classification (germline): Conflicting classifications of pathogenicity. Review status: criteria provided, conflicting classifications (1 of 4 stars). 2 submissions from 2 submitters: Uncertain significance (1); Likely benign (1). Last evaluated 2025-10-04.

Conditions:
Fibrous dysplasia of jaw (CRBM). Also called: Cherubism. Identifiers: Orphanet 184, MedGen C0008029, MONDO:0007315, OMIM 118400.

Allele frequency attached by ClinVar (database versions not stated): gnomAD exomes below 0.00001 and 0.00001; gnomAD 0.00001; TOPMed 0.00001; ExAC 0.00002.
gnomAD v4.1: 24 of 1,605,808 alleles (0.0015%); highest among the groups gnomAD compares: Non-Finnish European, 0.0015%; no homozygotes.

Submissions (2):

Labcorp Genetics (formerly Invitae), Labcorp
Classification: Uncertain significance for Fibrous dysplasia of jaw. Last evaluated: 2025-10-04. Review status: criteria provided, single submitter. Criteria: Invitae Variant Classification Sherloc (09022015). Collection method: clinical testing. Allele origin: germline.
Comment: This sequence change replaces proline, which is neutral and non-polar, with leucine, which is neutral and non-polar, at codon 431 of the SH3BP2 protein (p.Pro431Leu). The frequency data for this variant in the population databases is considered unreliable, as metrics indicate poor data quality at this position in the gnomAD database. This variant has not been reported in the literature in individuals affected with SH3BP2-related conditions. ClinVar contains an entry for this variant (Variation ID: 965971). Invitae Evidence Modeling of protein sequence and biophysical properties (such as structural, functional, and spatial information, amino acid conservation, physicochemical variation, residue mobility, and thermodynamic stability) indicates that this missense variant is not expected to disrupt SH3BP2 protein function with a negative predictive value of 80%. In summary, the available evidence is currently insufficient to determine the role of this variant in disease. Therefore, it has been classified as a Variant of Uncertain Significance.

Blueprint Genetics
Classification: Likely benign. Last evaluated: 2024-11-13. Review status: criteria provided, single submitter. Criteria: ACMG Guidelines, 2015. Collection method: clinical testing. Allele origin: germline.